The following is an entry in ClinVar:

ClinVar aggregate classification (germline): Uncertain significance. Review status: criteria provided, multiple submitters, no conflicts (2 of 4 stars). 3 submissions from 3 submitters: Uncertain significance (3). Last evaluated 2023-11-24.

Conditions:
Hereditary cancer-predisposing syndrome. Also called: Hereditary Cancer Syndrome; Hereditary neoplastic syndrome; Neoplastic Syndromes, Hereditary; Tumor predisposition. Identifiers: Orphanet 140162, MedGen C0027672, MeSH D009386, MONDO:0015356.

Allele frequency attached by ClinVar (database versions not stated): gnomAD 0.00001; TOPMed 0.00001.

Submissions (3):

Ambry Genetics
Classification: Uncertain significance for Hereditary cancer-predisposing syndrome. Last evaluated: 2023-11-24. Review status: criteria provided, single submitter. Criteria: Ambry Variant Classification Scheme 2023. Collection method: clinical testing. Allele origin: germline.
Comment: The p.I43N variant (also known as c.128T>A), located in coding exon 3 of the XRCC2 gene, results from a T to A substitution at nucleotide position 128. The isoleucine at codon 43 is replaced by asparagine, an amino acid with dissimilar properties. This amino acid position is conserved. In addition, the in silico prediction for this alteration is inconclusive. Since supporting evidence is limited at this time, the clinical significance of this alteration remains unclear.

Labcorp Genetics (formerly Invitae), Labcorp
Classification: Uncertain significance. Last evaluated: 2022-04-07. Review status: criteria provided, single submitter. Criteria: Invitae Variant Classification Sherloc (09022015). Collection method: clinical testing. Allele origin: germline.
Comment: In summary, the available evidence is currently insufficient to determine the role of this variant in disease. Therefore, it has been classified as a Variant of Uncertain Significance. Algorithms developed to predict the effect of missense changes on protein structure and function (SIFT, PolyPhen-2, Align-GVGD) all suggest that this variant is likely to be disruptive. ClinVar contains an entry for this variant (Variation ID: 596292). This variant has not been reported in the literature in individuals affected with XRCC2-related conditions. This variant is not present in population databases (gnomAD no frequency). This sequence change replaces isoleucine, which is neutral and non-polar, with asparagine, which is neutral and polar, at codon 43 of the XRCC2 protein (p.Ile43Asn).

Eurofins Ntd Llc (ga)
Classification: Uncertain significance. Last evaluated: 2018-03-09. Review status: criteria provided, single submitter. Criteria: EGL ClinVar v180209 classification definitions. Collection method: clinical testing. Allele origin: germline. Observed: 1 variant allele, 1 heterozygote.

NM_005431.2(XRCC2):c.128T>A (p.Ile43Asn)

Gene: XRCC2 (X-ray repair cross complementing 2; minus strand). Cytogenetic location: 7q36.1.
Variant type: single nucleotide variant.
Coding change: c.128T>A on transcript NM_005431.2 (MANE Select); coding-DNA position 128, T replaced by A.
Protein change: p.Ile43Asn; replaces isoleucine 43 with asparagine.
Molecular consequence: missense variant.
Genome position (GRCh38, 1-based): chr7:152,649,357, A>T on the plus strand (T>A on the coding strand, the complement: XRCC2 is on the minus strand). VCF-style: chr7-152649357-A-T. GRCh37 (hg19) VCF-style: chr7-152346442-A-T.
Other names: short protein forms I43N.
Identifiers: ClinVar variation 596292 (VCV000596292.11), dbSNP rs1324568176, ClinGen allele CA370199367.